The following is an entry in ClinVar:

ClinVar aggregate classification (germline): Uncertain significance (1 of 4 stars; one submission).

Conditions:
Phelan-McDermid syndrome. Also called: TELOMERIC 22q13 MONOSOMY SYNDROME; 22q13.3 deletion syndrome; Phelan-McDermid Syndrome-SHANK3 Related. Identifiers: Orphanet 48652, MedGen C1853490, MONDO:0011652, OMIM 606232.

Submission:

Dasa
Classification: Uncertain significance for Phelan-McDermid syndrome. Last evaluated: 2025-10-28. Review status: criteria provided, single submitter. Criteria: DASA Assertion Criteria. Collection method: clinical testing. Allele origin: germline.
Comment: NM_001372044.2(SHANK3):c.3787C>T (p.Pro1263Ser) is a missense variant that results in the substitution of proline with serine. This variant is rare in population databases. Computational prediction algorithms are consistent with a benign effect. The currently available literature and clinical evidence are not sufficient to establish a definitive association between this variant and the reported condition. Therefore, this variant is classified as a variant of uncertain significance.

NM_001372044.2(SHANK3):c.3787C>T (p.Pro1263Ser)

Gene: SHANK3 (SH3 and multiple ankyrin repeat domains 3; plus strand). Cytogenetic location: 22q13.33.
Variant type: single nucleotide variant.
Coding change: c.3787C>T on transcript NM_001372044.2 (MANE Select); coding-DNA position 3787, C replaced by T.
Protein change: p.Pro1263Ser; replaces proline 1263 with serine.
Molecular consequence: missense variant.
Genome position (GRCh38, 1-based): chr22:50,721,395, C>T. VCF-style: chr22-50721395-C-T. GRCh37 (hg19) VCF-style: chr22-51159823-C-T.
Other names: short protein forms P1263S.
Identifiers: ClinVar variation 4883845 (VCV004883845.2).
Genomic context (GRCh38, chr22:50,721,395, plus strand): 5'-TGGATTCCTGTGCCTGCTCGCAGGGAGGCAGAGAAGGTCCCCCGGGAGGAGCGGAAGTCA[C>T]CCGAGGACAAGAAGTCCATGATCCTCAGCGTCCTGGACACATCCCTGCAGCGGCCAGCTG-3'
Protein context (NP_001358973.1, residues 1253-1273): EKVPREERKS[Pro1263Ser]EDKKSMILSV